The following is an entry in ClinVar:

NM_006015.6(ARID1A):c.221A>C (p.Gln74Pro)

Gene: ARID1A (AT-rich interaction domain 1A; plus strand). Cytogenetic location: 1p36.11.
Variant type: single nucleotide variant.
Coding change: c.221A>C on transcript NM_006015.6 (MANE Select); coding-DNA position 221, A replaced by C.
Protein change: p.Gln74Pro; replaces glutamine 74 with proline.
Molecular consequence: missense variant.
Genome position (GRCh38, 1-based): chr1:26,696,624, A>C. VCF-style: chr1-26696624-A-C. GRCh37 (hg19) VCF-style: chr1-27023115-A-C.
Other names: c.221A>C, p.Gln74Pro (NM_139135.4); short protein forms Q74P.
Identifiers: ClinVar variation 2579766 (VCV002579766.2), dbSNP rs2080256970, ClinGen allele CA339264655.

ClinVar aggregate classification (germline): Likely benign (1 of 4 stars; one submission).

Allele frequency attached by ClinVar (database versions not stated): TOPMed 0.00002.

Submission:

GeneDx
Classification: Likely benign. Last evaluated: 2024-03-15. Review status: criteria provided, single submitter. Criteria: GeneDx Variant Classification Process June 2021. Collection method: clinical testing. Allele origin: germline.
Comment: See Variant Classification Assertion Criteria.